The following is an entry in ClinVar:

NM_004289.7(NFE2L3):c.834+1G>T

Gene: NFE2L3 (NFE2 like bZIP transcription factor 3; plus strand). Cytogenetic location: 7p15.2.
Variant type: single nucleotide variant.
Coding change: c.834+1G>T on transcript NM_004289.7 (MANE Select); the canonical splice donor site of the intron after coding-DNA position 834, G replaced by T.
Molecular consequence: splice donor variant.
Genome position (GRCh38, 1-based): chr7:26,183,785, G>T. VCF-style: chr7-26183785-G-T. GRCh37 (hg19) VCF-style: chr7-26223405-G-T.
Identifiers: ClinVar variation 4980623 (VCV004980623.1).

ClinVar aggregate classification (germline): Uncertain significance (1 of 4 stars; one submission).

Conditions:
NFE2L3-related condition.

gnomAD v4.1: 14 of 1,607,216 alleles (0.00087%); highest among the groups gnomAD compares: Admixed American, 0.015%; no homozygotes.

Submission:

PreventionGenetics, part of Exact Sciences
Classification: Uncertain significance for NFE2L3-related condition. Last evaluated: 2025-12-27. Review status: criteria provided, single submitter. Criteria: ACMG Guidelines, 2015. Collection method: clinical testing. Allele origin: germline.
Comment: The NFE2L3 c.834+1G>T variant is predicted to disrupt the GT donor site and interfere with normal splicing. To our knowledge, this variant has not been reported in the literature or in a large population database (gnomAD) indicating the variant is rare. Loss of function is not an established mechanism of NFE2L3-related disease. At this time, the clinical significance of this variant is uncertain due to the absence of conclusive functional and genetic evidence.